The following is an entry in ClinVar:

NM_003036.4(SKI):c.200C>A (p.Ala67Asp)

Gene: SKI (SKI proto-oncogene; plus strand). Cytogenetic location: 1p36.33.
Variant type: single nucleotide variant.
Coding change: c.200C>A on transcript NM_003036.4 (MANE Select); coding-DNA position 200, C replaced by A.
Protein change: p.Ala67Asp; replaces alanine 67 with aspartic acid.
Molecular consequence: missense variant.
Genome position (GRCh38, 1-based): chr1:2,228,966, C>A. VCF-style: chr1-2228966-C-A. GRCh37 (hg19) VCF-style: chr1-2160405-C-A.
Other names: short protein forms A67D.
Identifiers: ClinVar variation 3223065 (VCV003223065.1), dbSNP rs1488816694, ClinGen allele CA337952298.
Genomic context (GRCh38, chr1:2,228,966, plus strand): 5'-ACAAGAAGGAGAGCGCCAAGGAGGCGGGCGCGGCCGCGGTGCCGGCGCCGGTGCCCGCAG[C>A]CACCGAGCCGCCGCCCGTGCTGCACCTGCCCGCCATCCAGCCGCCGCCGCCCGTGCTGCC-3'
Protein context (NP_003027.1, residues 57-77): AAAVPAPVPA[Ala67Asp]TEPPPVLHLP

ClinVar aggregate classification (germline): Uncertain significance (1 of 4 stars; one submission).

Conditions:
Familial thoracic aortic aneurysm and aortic dissection (TAAD). Also called: Thoracic aortic aneurysms and dissections. Identifiers: Orphanet 91387, MedGen C4707243, MONDO:0019625.

Allele frequency attached by ClinVar (database versions not stated): TOPMed 0.00001.

Submission:

Ambry Genetics
Classification: Uncertain significance for Familial thoracic aortic aneurysm and aortic dissection. Last evaluated: 2023-10-12. Review status: criteria provided, single submitter. Criteria: Ambry Variant Classification Scheme 2023. Collection method: clinical testing. Allele origin: germline.
Comment: The p.A67D variant (also known as c.200C>A), located in coding exon 1 of the SKI gene, results from a C to A substitution at nucleotide position 200. The alanine at codon 67 is replaced by aspartic acid, an amino acid with dissimilar properties. This amino acid position is conserved. In addition, the in silico prediction for this alteration is inconclusive. Since supporting evidence is limited at this time, the clinical significance of this alteration remains unclear.